The following is an entry in ClinVar:

ClinVar aggregate classification (germline): Uncertain significance (1 of 4 stars; one submission).

Conditions:
Combined oxidative phosphorylation defect type 27. Also called: Combined oxidative phosphorylation deficiency 27. Identifiers: Orphanet 477774, MedGen C5567608, MONDO:0014728, OMIM 616672.

Allele frequency attached by ClinVar (database versions not stated): gnomAD exomes below 0.00001.
gnomAD v4.1: 2 of 1,608,038 alleles (0.00012%); highest among the groups gnomAD compares: Non-Finnish European, 0.00017%; no homozygotes.

Submission:

Labcorp Genetics (formerly Invitae), Labcorp
Classification: Uncertain significance for Combined oxidative phosphorylation defect type 27. Last evaluated: 2025-10-10. Review status: criteria provided, single submitter. Criteria: Invitae Variant Classification Sherloc (09022015). Collection method: clinical testing. Allele origin: germline.
Comment: This sequence change replaces glycine, which is neutral and non-polar, with arginine, which is basic and polar, at codon 476 of the CARS2 protein (p.Gly476Arg). This variant is not present in population databases (gnomAD no frequency). This missense change has been observed in individual(s) with combined oxidative phosphorylation deficiency and/or early-onset epileptic encephalopathy (EOEE) (PMID: 31665838, 34953328). ClinVar contains an entry for this variant (Variation ID: 2972702). An algorithm developed to predict the effect of missense changes on protein structure and function (PolyPhen-2) suggests that this variant is likely to be tolerated. In summary, the available evidence is currently insufficient to determine the role of this variant in disease. Therefore, it has been classified as a Variant of Uncertain Significance.

Literature cited by the submitters: PubMed 31665838; PubMed 34953328.

NM_024537.4(CARS2):c.1426G>A (p.Gly476Arg)

Gene: CARS2 (cysteinyl-tRNA synthetase 2, mitochondrial; minus strand). Cytogenetic location: 13q34.
Variant type: single nucleotide variant.
Coding change: c.1426G>A on transcript NM_024537.4 (MANE Select); coding-DNA position 1426, G replaced by A.
Protein change: p.Gly476Arg; replaces glycine 476 with arginine.
Molecular consequence: missense variant. On other transcripts: non-coding transcript variant (2).
Genome position (GRCh38, 1-based): chr13:110,642,512, C>T on the plus strand (G>A on the coding strand, the complement: CARS2 is on the minus strand). VCF-style: chr13-110642512-C-T. GRCh37 (hg19) VCF-style: chr13-111294859-C-T.
Other names: c.640G>A, p.Gly214Arg (NM_001352252.2); short protein forms G214R, G476R.
Identifiers: ClinVar variation 2972702 (VCV002972702.3), dbSNP rs1887501594, ClinGen allele CA388740576.